The following is an entry in ClinVar:

NM_001184.4(ATR):c.649A>T (p.Ile217Phe)

Gene: ATR (ATR checkpoint kinase; minus strand). Cytogenetic location: 3q23.
Variant type: single nucleotide variant.
Coding change: c.649A>T on transcript NM_001184.4 (MANE Select); coding-DNA position 649, A replaced by T.
Protein change: p.Ile217Phe; replaces isoleucine 217 with phenylalanine.
Molecular consequence: missense variant.
Genome position (GRCh38, 1-based): chr3:142,562,753, T>A on the plus strand (A>T on the coding strand, the complement: ATR is on the minus strand). VCF-style: chr3-142562753-T-A. GRCh37 (hg19) VCF-style: chr3-142281595-T-A.
Other names: c.649A>T, p.Ile217Phe (NM_001354579.2); short protein forms I217F.
Identifiers: ClinVar variation 1464781 (VCV001464781.8), dbSNP rs2108488026, ClinGen allele CA354826137.

ClinVar aggregate classification (germline): Uncertain significance (1 of 4 stars; one submission).

Submission:

Labcorp Genetics (formerly Invitae), Labcorp
Classification: Uncertain significance. Last evaluated: 2021-06-04. Review status: criteria provided, single submitter. Criteria: Invitae Variant Classification Sherloc (09022015). Collection method: clinical testing. Allele origin: germline.
Comment: This sequence change replaces isoleucine with phenylalanine at codon 217 of the ATR protein (p.Ile217Phe). The isoleucine residue is weakly conserved and there is a small physicochemical difference between isoleucine and phenylalanine. This variant is not present in population databases (ExAC no frequency). This variant has not been reported in the literature in individuals with ATR-related conditions. Algorithms developed to predict the effect of missense changes on protein structure and function (SIFT, PolyPhen-2, Align-GVGD) all suggest that this variant is likely to be tolerated, but these predictions have not been confirmed by published functional studies and their clinical significance is uncertain. In summary, the available evidence is currently insufficient to determine the role of this variant in disease. Therefore, it has been classified as a Variant of Uncertain Significance.